The following is an entry in ClinVar:

NM_001376.5(DYNC1H1):c.13082AGA[2] (p.Lys4363del)

Gene: DYNC1H1 (dynein cytoplasmic 1 heavy chain 1; plus strand). Cytogenetic location: 14q32.31.
Variant type: Microsatellite.
Coding change: c.13082AGA[2] on transcript NM_001376.5 (MANE Select); two copies in a row of the 3-base unit AGA starting at c.13082; the reference has three copies in a row; one copy, 3 bases deleted.
Protein change: p.Lys4363del; deletes lysine 4363.
Molecular consequence: inframe deletion.
Genome position (GRCh38, 1-based): chr14:102,047,898-102,047,900, AGA deleted; deleting any 3 consecutive bases within chr14:102,047,892-102,047,900 gives the same sequence; the position shown is the placement nearest the transcript's 3' end. VCF-style (leftmost placement, unchanged base first): chr14-102047891-GAGA-G. GRCh37 (hg19) VCF-style: chr14-102514228-GAGA-G.
Other names: short protein forms K4363del.
Identifiers: ClinVar variation 2416718 (VCV002416718.17), dbSNP rs2503880694, ClinGen allele CA2580613769.

ClinVar aggregate classification (germline): Uncertain significance. Review status: criteria provided, multiple submitters, no conflicts (2 of 4 stars). 2 submissions from 2 submitters: Uncertain significance (2). Last evaluated 2025-01-01.

Conditions:
Charcot-Marie-Tooth disease axonal type 2O. Also called: CHARCOT-MARIE-TOOTH NEUROPATHY, AXONAL, TYPE 2O; CHARCOT-MARIE-TOOTH DISEASE, AXONAL, AUTOSOMAL DOMINANT, TYPE 2O; Charcot-Marie-Tooth Neuropathy Type 2O; Charcot-Marie-Tooth disease, axonal, type 20. Identifiers: Orphanet 284232, MedGen C3280220, MONDO:0013644, OMIM 614228.

Submissions (2):

CeGaT Center for Human Genetics Tuebingen
Classification: Uncertain significance. Last evaluated: 2025-01-01. Review status: criteria provided, single submitter. Criteria: CeGaT Center For Human Genetics Tuebingen Variant Classification Criteria Version 2. Collection method: clinical testing. Allele origin: germline. Affected: yes. Observed: 1 variant allele.
Comment: DYNC1H1: PM4:Supporting

Labcorp Genetics (formerly Invitae), Labcorp
Classification: Uncertain significance for Charcot-Marie-Tooth disease axonal type 2O. Last evaluated: 2023-01-18. Review status: criteria provided, single submitter. Criteria: Invitae Variant Classification Sherloc (09022015). Collection method: clinical testing. Allele origin: germline.
Comment: In summary, the available evidence is currently insufficient to determine the role of this variant in disease. Therefore, it has been classified as a Variant of Uncertain Significance. Experimental studies and prediction algorithms are not available or were not evaluated, and the functional significance of this variant is currently unknown. This variant has not been reported in the literature in individuals affected with DYNC1H1-related conditions. This variant is not present in population databases (gnomAD no frequency). This variant, c.13088_13090del, results in the deletion of 1 amino acid(s) of the DYNC1H1 protein (p.Lys4363del), but otherwise preserves the integrity of the reading frame.